The following is an entry in ClinVar:

NM_001319074.4(RAX2):c.335del (p.Pro112fs)

Gene: RAX2 (retina and anterior neural fold homeobox 2; minus strand). Cytogenetic location: 19p13.3.
Variant type: Deletion.
Coding change: c.335del on transcript NM_001319074.4 (MANE Select); coding-DNA position 335, one base deleted (C; older notation c.335delC).
Protein change: p.Pro112fs; shifts the reading frame from proline 112.
Molecular consequence: frameshift variant.
Genome position (GRCh38, 1-based): chr19:3,770,841, G deleted on the plus strand (C on the coding strand, the reverse complement: RAX2 is on the minus strand); the first of 6 consecutive G bases (chr19:3,770,841-3,770,846); deleting any one gives the same sequence. VCF-style (leftmost placement, unchanged base first): chr19-3770840-CG-C. GRCh37 (hg19) VCF-style: chr19-3770838-CG-C.
Other names: c.335del, p.Pro112fs (NM_032753.4); short protein forms P112fs.
Identifiers: ClinVar variation 3665103 (VCV003665103.3).

ClinVar aggregate classification (germline): Uncertain significance. Review status: criteria provided, multiple submitters, no conflicts (2 of 4 stars). 2 submissions from 2 submitters: Uncertain significance (2). Last evaluated 2025-03-17.

Submissions (2):

Labcorp Genetics (formerly Invitae), Labcorp
Classification: Uncertain significance. Last evaluated: 2025-03-17. Review status: criteria provided, single submitter. Criteria: Invitae Variant Classification Sherloc (09022015). Collection method: clinical testing. Allele origin: germline.
Comment: This sequence change results in a frameshift in the RAX2 gene (p.Pro112Argfs*102). While this is not anticipated to result in nonsense mediated decay, it is expected to disrupt the last 73 amino acid(s) of the RAX2 protein and extend the protein by 28 additional amino acid residues. The frequency data for this variant in the population databases is considered unreliable, as metrics indicate poor data quality at this position in the gnomAD database. This variant has not been reported in the literature in individuals affected with RAX2-related conditions. Experimental studies and prediction algorithms are not available or were not evaluated, and the functional significance of this variant is currently unknown. In summary, the available evidence is currently insufficient to determine the role of this variant in disease. Therefore, it has been classified as a Variant of Uncertain Significance.

Blueprint Genetics
Classification: Uncertain significance. Last evaluated: 2023-11-15. Review status: criteria provided, single submitter. Criteria: ACMG Guidelines, 2015. Collection method: clinical testing. Allele origin: germline.